The following is an entry in ClinVar:

NM_002838.5(PTPRC):c.2395A>T (p.Ile799Phe)

Gene: PTPRC (protein tyrosine phosphatase receptor type C; plus strand). Cytogenetic location: 1q32.1.
Variant type: single nucleotide variant.
Coding change: c.2395A>T on transcript NM_002838.5 (MANE Select); coding-DNA position 2395, A replaced by T.
Protein change: p.Ile799Phe; replaces isoleucine 799 with phenylalanine.
Molecular consequence: missense variant.
Genome position (GRCh38, 1-based): chr1:198,735,244, A>T. VCF-style: chr1-198735244-A-T. GRCh37 (hg19) VCF-style: chr1-198704373-A-T.
Other names: c.1912A>T, p.Ile638Phe (NM_080921.4); short protein forms I799F, I638F.
Identifiers: ClinVar variation 464442 (VCV000464442.7), dbSNP rs185420520, ClinGen allele CA1315095.

ClinVar aggregate classification (germline): Uncertain significance (1 of 4 stars; one submission).

Conditions:
Immunodeficiency 104. Also called: IMMUNODEFICIENCY 104, SEVERE COMBINED; Severe combined immunodeficiency, autosomal recessive, T cell-negative, B cell-positive, NK cell-positive; SCID, AUTOSOMAL RECESSIVE, T CELL-NEGATIVE, B CELL-POSITIVE, NK CELL-POSITIVE; Severe Combined Immune Deficiency, Autosomal Recessive, TCell -Negative, B Cell-Positive, NK Cell-Positive, IL7R-Related. Identifiers: MedGen C5676890, MONDO:0012163, OMIM 608971.

Allele frequency attached by ClinVar (database versions not stated): gnomAD 0.00002 and 0.00003; TOPMed 0.00006; 1000 Genomes Project 30x 0.00016; 1000 Genomes Project 0.00020.
gnomAD v4.1: 28 of 1,599,444 alleles (0.0018%); highest among the groups gnomAD compares: East Asian, 0.056%; 1 homozygote.

Submission:

Labcorp Genetics (formerly Invitae), Labcorp
Classification: Uncertain significance for Immunodeficiency 104. Last evaluated: 2022-02-18. Review status: criteria provided, single submitter. Criteria: Invitae Variant Classification Sherloc (09022015). Collection method: clinical testing. Allele origin: germline.
Comment: This sequence change replaces isoleucine, which is neutral and non-polar, with phenylalanine, which is neutral and non-polar, at codon 799 of the PTPRC protein (p.Ile799Phe). This variant is present in population databases (rs185420520, gnomAD 0.08%), including at least one homozygous and/or hemizygous individual. This variant has not been reported in the literature in individuals affected with PTPRC-related conditions. ClinVar contains an entry for this variant (Variation ID: 464442). Algorithms developed to predict the effect of missense changes on protein structure and function are either unavailable or do not agree on the potential impact of this missense change (SIFT: "Deleterious"; PolyPhen-2: "Probably Damaging"; Align-GVGD: "Class C0"). In summary, the available evidence is currently insufficient to determine the role of this variant in disease. Therefore, it has been classified as a Variant of Uncertain Significance.